The following is an entry in ClinVar:

ClinVar aggregate classification (germline): Conflicting classifications of pathogenicity. Review status: criteria provided, conflicting classifications (1 of 4 stars). 2 submissions from 2 submitters: Uncertain significance (1); Likely benign (1). Last evaluated 2025-09-23.

Conditions:
Hereditary cancer-predisposing syndrome. Also called: Hereditary Cancer Syndrome; Neoplastic Syndromes, Hereditary; Tumor predisposition; Hereditary neoplastic syndrome. Identifiers: Orphanet 140162, MedGen C0027672, MeSH D009386, MONDO:0015356.

Allele frequency attached by ClinVar (database versions not stated): gnomAD exomes below 0.00001.
gnomAD v4.1: 1 of 1,608,180 alleles (0.000062%); highest among the groups gnomAD compares: Non-Finnish European, 0.000085%; no homozygotes.

Submissions (2):

Color Diagnostics, LLC DBA Color Health
Classification: Uncertain significance for Hereditary cancer-predisposing syndrome. Last evaluated: 2025-09-23. Review status: criteria provided, single submitter. Criteria: ACMG Guidelines, 2015. Collection method: clinical testing. Allele origin: germline.
Comment: This missense variant replaces asparagine with aspartic acid at codon 2113 of the BRCA2 protein. Computational prediction suggests that this variant may not impact protein structure and function. To our knowledge, functional studies have not been reported for this variant. This variant has not been reported in individuals affected with BRCA2-related disorders in the literature. This variant has not been identified in the general population by the Genome Aggregation Database (gnomAD). The available evidence is insufficient to determine the role of this variant in disease conclusively. Therefore, this variant is classified as a Variant of Uncertain Significance.

University of Washington Department of Laboratory Medicine, University of Washington
Classification: Likely benign for Hereditary cancer-predisposing syndrome. Last evaluated: 2023-03-23. Review status: criteria provided, single submitter. Criteria: Dines et al. (Genet Med. 2020). Collection method: curation. Allele origin: germline.
Comment: Missense variant in a coldspot region where missense variants are very unlikely to be pathogenic (PMID:31911673).

BRCA2 exon 11 coldspot. Reclassification based on statistical prior probability.

NM_000059.4(BRCA2):c.6337A>G (p.Asn2113Asp)

Gene: BRCA2 (BRCA2 DNA repair associated; plus strand). Cytogenetic location: 13q13.1.
Variant type: single nucleotide variant.
Coding change: c.6337A>G on transcript NM_000059.4 (MANE Select); coding-DNA position 6337, A replaced by G.
Protein change: p.Asn2113Asp; replaces asparagine 2113 with aspartic acid.
Molecular consequence: missense variant.
Genome position (GRCh38, 1-based): chr13:32,340,692, A>G. VCF-style: chr13-32340692-A-G. GRCh37 (hg19) VCF-style: chr13-32914829-A-G.
Other names: short protein forms N2113D.
Identifiers: ClinVar variation 489768 (VCV000489768.6), dbSNP rs1555284644, ClinGen allele CA387789096.